The following is an entry in ClinVar:

NM_018026.4(PACS1):c.2376C>T (p.Ala792=)

Gene: PACS1 (phosphofurin acidic cluster sorting protein 1; plus strand). Cytogenetic location: 11q13.2.
Variant type: single nucleotide variant.
Coding change: c.2376C>T on transcript NM_018026.4 (MANE Select); coding-DNA position 2376, C replaced by T.
Protein change: p.Ala792=; no amino-acid change (alanine 792 retained).
Molecular consequence: synonymous variant.
Genome position (GRCh38, 1-based): chr11:66,239,224, C>T. VCF-style: chr11-66239224-C-T. GRCh37 (hg19) VCF-style: chr11-66006695-C-T.
Identifiers: ClinVar variation 588711 (VCV000588711.43), dbSNP rs145601427, ClinGen allele CA6116860.

ClinVar aggregate classification (germline): Benign/Likely benign. Review status: criteria provided, multiple submitters, no conflicts (2 of 4 stars). 7 submissions from 7 submitters: Benign (4); Likely benign (2). 1 of the submissions does not count toward it. Last evaluated 2026-04-01.

Conditions:
PACS1-related disorder. Also called: PACS1-related condition.
Inborn genetic diseases. Identifiers: MedGen C0950123, MeSH D030342.
Schuurs-Hoeijmakers syndrome. Also called: PACS1-Related Neurodevelopmental Disorder. Identifiers: Orphanet 329224, MedGen C3554343, MONDO:0014006, OMIM 615009.

Allele frequency attached by ClinVar (database versions not stated): gnomAD exomes 0.00029 and 0.00074; ExAC 0.00098; gnomAD 0.00254 and 0.00270; 1000 Genomes Project 0.00280; TOPMed 0.00302; 1000 Genomes Project 30x 0.00312; ESP Exome Variant Server 0.00370.
gnomAD v4.1: 810 of 1,613,974 alleles (0.05%); highest among the groups gnomAD compares: African/African-American, 0.99%; 4 homozygotes.

Submissions (7):

CeGaT Center for Human Genetics Tuebingen
Classification: Likely benign. Last evaluated: 2026-04-01. Review status: criteria provided, single submitter. Criteria: CeGaT Center For Human Genetics Tuebingen Variant Classification Criteria Version 2. Collection method: clinical testing. Allele origin: germline. Affected: yes. Observed: 7 variant alleles.
Comment: PACS1: BP4, BP7, BS1

Labcorp Genetics (formerly Invitae), Labcorp
Classification: Benign for Schuurs-Hoeijmakers syndrome. Last evaluated: 2026-01-24. Review status: criteria provided, single submitter. Criteria: Invitae Variant Classification Sherloc (09022015). Collection method: clinical testing. Allele origin: germline.

Blueprint Genetics
Classification: Likely benign. Last evaluated: 2024-09-16. Review status: criteria provided, single submitter. Criteria: ACMG Guidelines, 2015. Collection method: clinical testing. Allele origin: germline.

Genetic Services Laboratory, University of Chicago
Classification: Benign. Last evaluated: 2018-12-17. Review status: criteria provided, single submitter. Criteria: ACMG Guidelines, 2015. Collection method: clinical testing. Allele origin: germline. Affected: no.

GeneDx
Classification: Benign. Last evaluated: 2018-11-02. Review status: criteria provided, single submitter. Criteria: GeneDx Variant Classification Process June 2021. Collection method: clinical testing. Allele origin: germline. Affected: yes.

Ambry Genetics
Classification: Benign for Inborn genetic diseases. Last evaluated: 2017-01-23. Review status: criteria provided, single submitter. Criteria: Ambry Variant Classification Scheme 2023. Collection method: clinical testing. Allele origin: germline.

PreventionGenetics, part of Exact Sciences
Classification: Benign for PACS1-related condition. Last evaluated: 2019-04-10. Review status: no assertion criteria provided. Collection method: clinical testing. Allele origin: germline. Not counted in ClinVar's aggregate classification.
Comment: This variant is classified as benign based on ACMG/AMP sequence variant interpretation guidelines (Richards et al. 2015 PMID: 25741868, with internal and published modifications).